The following is an entry in ClinVar:

ClinVar aggregate classification (germline): Uncertain significance (0 of 4 stars; one submission).

Conditions:
SETX-related disorder. Also called: SETX-related condition; SETX-related disorders. Identifiers: MedGen CN239403.

Submission:

PreventionGenetics, part of Exact Sciences
Classification: Uncertain significance for SETX-related condition. Last evaluated: 2024-01-09. Review status: no assertion criteria provided. Collection method: clinical testing. Allele origin: germline.
Comment: The SETX c.4586T>C variant is predicted to result in the amino acid substitution p.Val1529Ala. To our knowledge, this variant has not been reported in the literature or in a large population database, indicating this variant is rare. At this time, the clinical significance of this variant is uncertain due to the absence of conclusive functional and genetic evidence.

NM_015046.7(SETX):c.4586T>C (p.Val1529Ala)

Gene: SETX (senataxin; minus strand). Cytogenetic location: 9q34.13.
Variant type: single nucleotide variant.
Coding change: c.4586T>C on transcript NM_015046.7 (MANE Select); coding-DNA position 4586, T replaced by C.
Protein change: p.Val1529Ala; replaces valine 1529 with alanine.
Molecular consequence: missense variant.
Genome position (GRCh38, 1-based): chr9:132,327,012, A>G on the plus strand (T>C on the coding strand, the complement: SETX is on the minus strand). VCF-style: chr9-132327012-A-G. GRCh37 (hg19) VCF-style: chr9-135202399-A-G.
Other names: c.4586T>C, p.Val1529Ala (NM_001351527.2, NM_001351528.2); short protein forms V1529A.
Identifiers: ClinVar variation 3348185 (VCV003348185.1).